The following is an entry in ClinVar:

ClinVar aggregate classification (germline): Uncertain significance. Review status: criteria provided, multiple submitters, no conflicts (2 of 4 stars). 2 submissions from 2 submitters: Uncertain significance (2). Last evaluated 2025-11-12.

Conditions:
Developmental delay with variable intellectual impairment and behavioral abnormalities. Identifiers: MedGen C5193092, MONDO:0032745, OMIM 618430.

Allele frequency attached by ClinVar (database versions not stated): ExAC 0.00005; gnomAD 0.00001; gnomAD exomes 0.00003; TOPMed 0.00001.
gnomAD v4.1: 47 of 1,614,058 alleles (0.0029%); highest among the groups gnomAD compares: Middle Eastern, 0.033%; no homozygotes.

Submissions (2):

Labcorp Genetics (formerly Invitae), Labcorp
Classification: Uncertain significance. Last evaluated: 2025-11-12. Review status: criteria provided, single submitter. Criteria: Invitae Variant Classification Sherloc (09022015). Collection method: clinical testing. Allele origin: germline.
Comment: This sequence change replaces proline, which is neutral and non-polar, with leucine, which is neutral and non-polar, at codon 590 of the TCF20 protein (p.Pro590Leu). This variant is present in population databases (rs779125584, gnomAD 0.008%). This variant has not been reported in the literature in individuals affected with TCF20-related conditions. ClinVar contains an entry for this variant (Variation ID: 2437012). An algorithm developed to predict the effect of missense changes on protein structure and function outputs the following: PolyPhen-2: "Benign". The leucine amino acid residue is found in multiple mammalian species, which suggests that this missense change does not adversely affect protein function. In summary, the available evidence is currently insufficient to determine the role of this variant in disease. Therefore, it has been classified as a Variant of Uncertain Significance.

Revvity Omics, Revvity
Classification: Uncertain significance for Developmental delay with variable intellectual impairment and behavioral abnormalities. Last evaluated: 2019-09-14. Review status: criteria provided, single submitter. Criteria: ACMG Guidelines, 2015. Collection method: clinical testing. Allele origin: germline.

NM_001378418.1(TCF20):c.1769C>T (p.Pro590Leu)

Gene: TCF20 (transcription factor 20; minus strand). Cytogenetic location: 22q13.2.
Variant type: single nucleotide variant.
Coding change: c.1769C>T on transcript NM_001378418.1 (MANE Select); coding-DNA position 1769, C replaced by T.
Protein change: p.Pro590Leu; replaces proline 590 with leucine.
Molecular consequence: missense variant.
Genome position (GRCh38, 1-based): chr22:42,213,537, G>A on the plus strand (C>T on the coding strand, the complement: TCF20 is on the minus strand). VCF-style: chr22-42213537-G-A. GRCh37 (hg19) VCF-style: chr22-42609543-G-A.
Other names: c.1769C>T, p.Pro590Leu (NM_005650.4, NM_181492.3); short protein forms P590L.
Identifiers: ClinVar variation 2437012 (VCV002437012.6), dbSNP rs779125584, ClinGen allele CA10267121.
Genomic context (GRCh38, chr22:42,213,537, plus strand): 5'-CGGGAGACAATCACCCCAACAGTCTTCTCATTAACCTTTGGGTTCCCGTCGGATGACAAT[G>A]GCATGTCCTTAGCGCCTGGTGAGGTGGCCTCTTCTCTTGCGGCAGGACTAGCATTGAGTC-3'
Protein context (NP_001365347.1, residues 580-600): EATSPGAKDM[Pro590Leu]LSSDGNPKVN